The following is an entry in ClinVar:

ClinVar aggregate classification (germline): Conflicting classifications of pathogenicity. Review status: criteria provided, conflicting classifications (1 of 4 stars). 6 submissions from 6 submitters: Uncertain significance (5); Likely benign (1). Last evaluated 2026-02-01.

Conditions:
Cardiovascular phenotype. Identifiers: MedGen CN230736.
Hereditary cancer-predisposing syndrome. Also called: Neoplastic Syndromes, Hereditary; Tumor predisposition; Hereditary neoplastic syndrome; Hereditary Cancer Syndrome. Identifiers: Orphanet 140162, MedGen C0027672, MeSH D009386, MONDO:0015356.
Juvenile myelomonocytic leukemia (JMML). Also called: LEUKEMIA, JUVENILE MYELOMONOCYTIC, SOMATIC. Identifiers: Orphanet 86834, MedGen C0349639, MONDO:0011908, OMIM 607785, HP:0012209.
Neurofibromatosis, type 1 (NF1). Also called: Peripheral type neurofibromatosis; Neurofibromatosis, type I; NEUROFIBROMATOSIS, TYPE I, SOMATIC; VON RECKLINGHAUSEN DISEASE. Identifiers: Orphanet 636, MedGen C0027831, MONDO:0018975, OMIM 162200. Disease mechanism: loss of function.
NF1-related disorder. Also called: NF1-related condition. Identifiers: MedGen CN379171.

Allele frequency attached by ClinVar (database versions not stated): gnomAD exomes below 0.00001; TOPMed below 0.00001; gnomAD 0.00001.
gnomAD v4.1: 2 of 1,613,916 alleles (0.00012%); highest among the groups gnomAD compares: Non-Finnish European, 0.00017%; no homozygotes.

Submissions (6):

Labcorp Genetics (formerly Invitae), Labcorp
Classification: Likely benign for Neurofibromatosis, type 1. Last evaluated: 2026-02-01. Review status: criteria provided, single submitter. Criteria: Invitae Variant Classification Sherloc (09022015). Collection method: clinical testing. Allele origin: germline.

PreventionGenetics, part of Exact Sciences
Classification: Uncertain significance for NF1-related condition. Last evaluated: 2025-06-11. Review status: criteria provided, single submitter. Criteria: ACMG Guidelines, 2015. Collection method: clinical testing. Allele origin: germline.
Comment: The NF1 c.911G>A variant is predicted to result in the amino acid substitution p.Arg304Gln. To our knowledge, this variant has not been reported in the literature or in a large population database (gnomAD), indicating this variant is rare. At this time, the clinical significance of this variant is uncertain due to the absence of conclusive functional and genetic evidence.

Ambry Genetics
Classification: Uncertain significance for Cardiovascular phenotype; Hereditary cancer-predisposing syndrome. Last evaluated: 2025-03-02. Review status: criteria provided, single submitter. Criteria: Ambry Variant Classification Scheme 2023. Collection method: clinical testing. Allele origin: germline.
Comment: The p.R304Q variant (also known as c.911G>A), located in coding exon 9 of the NF1 gene, results from a G to A substitution at nucleotide position 911. The arginine at codon 304 is replaced by glutamine, an amino acid with highly similar properties. This amino acid position is highly conserved in available vertebrate species. In addition, the in silico prediction for this alteration is inconclusive. Since supporting evidence is limited at this time, the clinical significance of this alteration remains unclear.

Baylor Genetics
Classification: Uncertain significance for Juvenile myelomonocytic leukemia. Last evaluated: 2024-01-17. Review status: criteria provided, single submitter. Criteria: ACMG Guidelines, 2015. Collection method: clinical testing. Allele origin: unknown.

Genome-Nilou Lab
Classification: Uncertain significance for Neurofibromatosis, type 1. Last evaluated: 2022-03-15. Review status: criteria provided, single submitter. Criteria: ACMG Guidelines, 2015. Collection method: clinical testing. Allele origin: germline. Affected: no.

GeneDx
Classification: Uncertain significance. Last evaluated: 2020-07-31. Review status: criteria provided, single submitter. Criteria: GeneDx Variant Classification Process June 2021. Collection method: clinical testing. Allele origin: germline. Affected: yes.
Comment: Not observed in large population cohorts (Lek et al., 2016); In silico analysis supports that this missense variant does not alter protein structure/function; Has not been previously published as pathogenic or benign to our knowledge

NM_001042492.3(NF1):c.911G>A (p.Arg304Gln)

Gene: NF1 (neurofibromin 1; plus strand). Cytogenetic location: 17q11.2.
Variant type: single nucleotide variant.
Coding change: c.911G>A on transcript NM_001042492.3 (MANE Select); coding-DNA position 911, G replaced by A.
Protein change: p.Arg304Gln; replaces arginine 304 with glutamine.
Molecular consequence: missense variant.
Genome position (GRCh38, 1-based): chr17:31,200,444, G>A. VCF-style: chr17-31200444-G-A. GRCh37 (hg19) VCF-style: chr17-29527462-G-A.
Other names: c.911G>A, p.Arg304Gln (NM_000267.4, NM_001128147.3); short protein forms R304Q.
Identifiers: ClinVar variation 652291 (VCV000652291.17), dbSNP rs76015786, ClinGen allele CA289348600.
Genomic context (GRCh38, chr17:31,200,444, plus strand): 5'-TTCATATATTATCTTATCGCTATATTTGAATTCTGTAGAAGTTATTTCTGGACAGTCTAC[G>A]AAAAGCTCTTGCTGGCCATGGAGGAAGTAGGCAGCTGACAGAAAGTGCTGCAATTGCCTG-3'
Protein context (NP_001035957.1, residues 294-314): MNKKLFLDSL[Arg304Gln]KALAGHGGSR